The following is an entry in ClinVar:

NM_206933.4(USH2A):c.15216dup (p.Ile5073fs)

Gene: USH2A (usherin; minus strand). Cytogenetic location: 1q41.
Variant type: Duplication.
Coding change: c.15216dup on transcript NM_206933.4 (MANE Select); coding-DNA position 15216, one base duplicated (T; older notation c.15216dupT).
Protein change: p.Ile5073fs; shifts the reading frame from isoleucine 5073.
Molecular consequence: frameshift variant.
Genome position (GRCh38, 1-based): chr1:215,634,540, A duplicated on the plus strand (T on the coding strand, the reverse complement: USH2A is on the minus strand). VCF-style (leftmost placement, unchanged base first): chr1-215634539-T-TA. GRCh37 (hg19) VCF-style: chr1-215807881-T-TA.
Other names: short protein forms I5073fs.
Identifiers: ClinVar variation 4817105 (VCV004817105.1).

ClinVar aggregate classification (germline): Likely pathogenic (1 of 4 stars; one submission).

Conditions:
Usher syndrome type 2A. Also called: RETINAL DISEASE IN USHER SYNDROME TYPE IIA, MODIFIER OF; USHER SYNDROME, TYPE IIA. Identifiers: Orphanet 231178, Orphanet 886, MedGen C1848634, MONDO:0010169, OMIM 276901.

Submission:

Natera, Inc.
Classification: Likely pathogenic for Usher syndrome type 2A. Last evaluated: 2025-08-07. Review status: criteria provided, single submitter. Criteria: Natera Variant Classification Schema (03/2026). Collection method: clinical testing. Allele origin: germline.
Comment: The c.15216dup variant in USH2A is a frameshift variant predicted to shift the reading frame beginning at codon 5073 and leads to a stop codon 105 codons downstream. This variant is expected to result in nonsense mediated decay, truncation, or a dysfunctional protein product. This variant is rare in the general population with a frequency below the threshold expected for the associated phenotype(s). Given the available evidence, this variant is classified as Likely Pathogenic.